The following is an entry in ClinVar:

ClinVar aggregate classification (germline): Uncertain significance (1 of 4 stars; one submission).

Conditions:
Neurodevelopmental disorder with coarse facies and mild distal skeletal abnormalities. Also called: STOLERMAN NEURODEVELOPMENTAL SYNDROME. Identifiers: MedGen C5193134, MONDO:0032790, OMIM 618505.

Allele frequency attached by ClinVar (database versions not stated): ExAC 0.00001.

Submission:

Victorian Clinical Genetics Services, Murdoch Childrens Research Institute
Classification: Uncertain significance for Neurodevelopmental disorder with coarse facies and mild distal skeletal abnormalities. Last evaluated: 2020-05-25. Review status: criteria provided, single submitter. Criteria: ACMG Guidelines, 2015. Collection method: clinical testing. Allele origin: germline. Inheritance: Autosomal dominant inheritance. Affected: yes.
Comment: Based on the classification scheme VCGS_Germline_v1.1.1, this variant is classified as 3A-VUS. Following criteria are met: 0105 - The mechanism of disease for this gene is not clearly established. (N) 0107 - This gene is known to be associated with autosomal dominant disease. (N) 0200 - Variant is predicted to result in a missense amino acid change from an arginine to a glutamine (exon 6). (N) 0251 - Variant is heterozygous. (N) 0302 - Variant is present in gnomAD 0.001 for a dominant condition (1 Heterozygous, 0 Homozygous). (P) 0309 - An alternative amino acid change at the same position has been observed in gnomAD (18 Heterozygous, 0 Homozygous). (N) 0502 - Missense variant with conflicting in-silico predictions and uninformative conservation. (N) 0604 - Variant is not located in an established domain, motif, hotspot or informative constraint region. (N) 0705 - No comparable variants have previous evidence for pathogenicity. (N) 0807 - Variant has not previously been reported in a clinical context. (N) 0905 - No segregation evidence has been identified for this variant. (N) 1007 - No published functional evidence has been identified for this variant. (P) Legend: (P) - Pathogenic, (N) - Neutral, (B) - Benign

NM_001348716.2(KDM6B):c.305G>A (p.Arg102Gln)

Gene: KDM6B (lysine demethylase 6B; plus strand). Cytogenetic location: 17p13.1.
Variant type: single nucleotide variant.
Coding change: c.305G>A on transcript NM_001348716.2 (MANE Select); coding-DNA position 305, G replaced by A.
Protein change: p.Arg102Gln; replaces arginine 102 with glutamine.
Molecular consequence: missense variant.
Genome position (GRCh38, 1-based): chr17:7,846,146, G>A. VCF-style: chr17-7846146-G-A. GRCh37 (hg19) VCF-style: chr17-7749464-G-A.
Other names: c.305G>A, p.Arg102Gln (NM_001080424.2); short protein forms R102Q.
Identifiers: ClinVar variation 1805763 (VCV001805763.1), dbSNP rs749943251, ClinGen allele CA8360150.